The following is an entry in ClinVar:

NM_001567.4(INPPL1):c.2706C>G (p.Ala902=)

Gene: INPPL1 (inositol polyphosphate phosphatase like 1; plus strand). Cytogenetic location: 11q13.4.
Variant type: single nucleotide variant.
Coding change: c.2706C>G on transcript NM_001567.4 (MANE Select); coding-DNA position 2706, C replaced by G.
Protein change: p.Ala902=; no amino-acid change (alanine 902 retained).
Molecular consequence: synonymous variant.
Genome position (GRCh38, 1-based): chr11:72,235,721, C>G. VCF-style: chr11-72235721-C-G. GRCh37 (hg19) VCF-style: chr11-71946765-C-G.
Other names: c.2706C>G (NM_001567.3).
Identifiers: ClinVar variation 1557662 (VCV001557662.11), dbSNP rs201414459, ClinGen allele CA6170431.
Genomic context (GRCh38, chr11:72,235,721, plus strand): 5'-TCCTGCCCCCTCAGAGTGGATCAGCATTGATAAGGATGAGGCAGGAGCAAAGAGCAAAGC[C>G]CCCTCTGTGTCCCGAGGGAGCCAGGAGCCCAGGTGAGCTAGGGCTGTGTTGAATGTCATA-3'
Protein context (NP_001558.3, residues 892-912): DKDEAGAKSK[Ala902=]PSVSRGSQEP

ClinVar aggregate classification (germline): Likely benign. Review status: criteria provided, single submitter (1 of 4 stars). 2 submissions from 2 submitters: Likely benign (1). 1 of the submissions does not count toward it. Last evaluated 2023-05-29.

Conditions:
INPPL1-related disorder. Also called: INPPL1-related condition.

Allele frequency attached by ClinVar (database versions not stated): gnomAD exomes 0.00005; gnomAD 0.00006 and 0.00007; TOPMed 0.00006; ExAC 0.00008; ESP Exome Variant Server 0.00008; 1000 Genomes Project 30x 0.00016; 1000 Genomes Project 0.00020.
gnomAD v4.1: 163 of 1,614,112 alleles (0.01%); highest among the groups gnomAD compares: Non-Finnish European, 0.013%; no homozygotes.

Submissions (2):

Labcorp Genetics (formerly Invitae), Labcorp
Classification: Likely benign. Last evaluated: 2023-05-29. Review status: criteria provided, single submitter. Criteria: Invitae Variant Classification Sherloc (09022015). Collection method: clinical testing. Allele origin: germline.

PreventionGenetics, part of Exact Sciences
Classification: Likely benign for INPPL1-related condition. Last evaluated: 2020-07-29. Review status: no assertion criteria provided. Collection method: clinical testing. Allele origin: germline. Not counted in ClinVar's aggregate classification.
Comment: This variant is classified as likely benign based on ACMG/AMP sequence variant interpretation guidelines (Richards et al. 2015 PMID: 25741868, with internal and published modifications).